The following is an entry in ClinVar:

NC_000023.11:g.(?_32697850)_(32699313_?)del

Gene: DMD (dystrophin; minus strand). Cytogenetic location: Xp21.1.
Variant type: Deletion.
Identifiers: ClinVar variation 584343 (VCV000584343.1).

ClinVar aggregate classification (germline): Pathogenic (1 of 4 stars; one submission).

Conditions:
Duchenne muscular dystrophy (DMD). Also called: MUSCULAR DYSTROPHY, PSEUDOHYPERTROPHIC PROGRESSIVE, DUCHENNE TYPE; Duchenne Muscular Dystrophy (DMD). Identifiers: Orphanet 98896, MedGen C0013264, MONDO:0010679, OMIM 310200.

Submission:

Labcorp Genetics (formerly Invitae), Labcorp
Classification: Pathogenic for Duchenne muscular dystrophy. Last evaluated: 2018-06-05. Review status: criteria provided, single submitter. Criteria: Invitae Variant Classification Sherloc (09022015). Collection method: clinical testing. Allele origin: germline.
Comment: This variant is an out-of-frame deletion of the genomic region encompassing exons 8-9 of the DMD gene. This is expected to create a premature translational stop signal and result in an absent or disrupted protein product. A similar deletion number of exons 8-9Â¬â€ has been observed to segregate with Duchenne muscular dystrophy in a family (PMID: 8533818).Â¬â€ Similar deletion of exons 8-9 has been reported in several individuals affected with DMD-related dystrophinopathies (PMID: 17854090, 22090376, 22894145, 16566881). Loss-of-function variants in DMD are known to be pathogenic (PMID: 16770791, 25007885). For these reasons, this variant has been classified as Pathogenic.

Literature cited by the submitters: PubMed 22090376; PubMed 17854090; PubMed 16566881; PubMed 8533818; PubMed 22894145.